The following is an entry in ClinVar:

NM_007294.4(BRCA1):c.3476_3478del (p.Ile1159del)

Genes: BRCA1 (BRCA1 DNA repair associated; minus strand), LOC126862571 (BRD4-independent group 4 enhancer GRCh37_chr17:41243136-41244335; plus strand). Cytogenetic location: 17q21.31.
Variant type: Deletion.
Coding change: c.3476_3478del on transcript NM_007294.4 (MANE Select); coding-DNA positions 3476 to 3478, 3 bases deleted (TAA; older notation c.3476_3478delTAA).
Protein change: p.Ile1159del; deletes isoleucine 1159.
Molecular consequence: inframe deletion. On other transcripts: intron variant (135), inframe indel (1).
Genome position (GRCh38, 1-based): chr17:43,092,053-43,092,055, TTA deleted on the plus strand (TAA on the coding strand, the reverse complement: BRCA1 is on the minus strand); deleting any 3 consecutive bases within chr17:43,092,053-43,092,057 gives the same sequence; the c. name uses the placement nearest the transcript's 3' end. VCF-style (leftmost placement, unchanged base first): chr17-43092052-TTTA-T. GRCh37 (hg19) VCF-style: chr17-41244069-TTTA-T.
Other names: c.872_874del, p.Ile291del (NM_001407969.1, NM_001407968.1); c.3335_3337del, p.Ile1112del (NM_007297.4, NM_001407692.1, NM_001407694.1 and 29 more transcripts); c.3476_3478del, p.Ile1159del (NM_007300.4, NM_001407581.1, NM_001407582.1 and 30 more transcripts); c.647-1023_647-1021del (NM_001408458.1, NM_001408469.1, NM_001408453.1 and 11 more transcripts); c.284-1023_284-1021del (NM_001408512.1); c.407-1023_407-1021del (NM_001408510.1); c.644-1023_644-1021del (NM_001408470.1, NM_001408464.1, NM_001408468.1 and 3 more transcripts); c.785-1023_785-1021del (NM_001408397.1, NM_001408401.1, NM_001408396.1 and 13 more transcripts); and 42 more; short protein forms I1032del, I1047del, I1070del, I1111del, I1117del, I1156del, I991del, I1031del.
Identifiers: ClinVar variation 2585831 (VCV002585831.2), dbSNP rs2552148190, ClinGen allele CA2582342186.

ClinVar aggregate classification (germline): Uncertain significance (1 of 4 stars; one submission).

Conditions:
Hereditary cancer-predisposing syndrome. Also called: Hereditary neoplastic syndrome; Tumor predisposition; Hereditary Cancer Syndrome; Neoplastic Syndromes, Hereditary. Identifiers: Orphanet 140162, MedGen C0027672, MeSH D009386, MONDO:0015356.

Submission:

Ambry Genetics
Classification: Uncertain significance for Hereditary cancer-predisposing syndrome. Last evaluated: 2023-07-12. Review status: criteria provided, single submitter. Criteria: Ambry Variant Classification Scheme 2023. Collection method: clinical testing. Allele origin: germline.
Comment: The c.3476_3478delTAA variant (also known as p.I1159del) is located in coding exon 9 of the BRCA1 gene. This variant results from an in-frame TAA deletion at nucleotide positions 3476 to 3478. This results in the in-frame deletion of an isoleucine at codon 1159. This alteration was observed with an allele frequency of 0 in 7,051 unselected female breast cancer patients and was observed with an allele frequency of 0.00009 in 11,241 female controls of Japanese ancestry. In addition, it was not observed in unselected male breast cancer patients and was observed with an allele frequency of 0.0001 in 12,490 male controls of Japanese ancestry (Momozawa Y et al. Nat Commun, 2018 Oct;9:4083). This alteration has been reported with a carrier frequency of 0.00013 in 7,636 unselected prostate cancer patients and 0.00008 in 12,366 male controls of Japanese ancestry (Momozawa Y et al. J Natl Cancer Inst, 2020 Apr;112:369-376). This amino acid position is not well conserved in available vertebrate species. In addition, this alteration is predicted to be deleterious by in silico analysis (Choi Y et al. PLoS ONE. 2012; 7(10):e46688). Since supporting evidence is limited at this time, the clinical significance of this alteration remains unclear.

Literature cited by the submitters: PubMed 30287823; PubMed 31214711.